The following is an entry in ClinVar:

NM_006755.2(TALDO1):c.802G>A (p.Ala268Thr)

Gene: TALDO1 (transaldolase 1; plus strand). Cytogenetic location: 11p15.5.
Variant type: single nucleotide variant.
Coding change: c.802G>A on transcript NM_006755.2 (MANE Select); coding-DNA position 802, G replaced by A.
Protein change: p.Ala268Thr; replaces alanine 268 with threonine.
Molecular consequence: missense variant.
Genome position (GRCh38, 1-based): chr11:763,911, G>A. VCF-style: chr11-763911-G-A. GRCh37 (hg19) VCF-style: chr11-763911-G-A.
Other names: short protein forms A268T.
Identifiers: ClinVar variation 2185021 (VCV002185021.2), dbSNP rs138088112, ClinGen allele CA5788293.
Genomic context (GRCh38, chr11:763,911, plus strand): 5'-GCCGGCTGTGACTTCCTCACCATCTCACCCAAGCTCCTGGGAGAGCTGCTGCAGGACAAC[G>A]CCAAGCTGGTGCCTGTGCTCTCAGCCAAGGCGGGTGAGGCCCCACTGCCCAGCTGTGGCT-3'
Protein context (NP_006746.1, residues 258-278): KLLGELLQDN[Ala268Thr]KLVPVLSAKA

ClinVar aggregate classification (germline): Uncertain significance (1 of 4 stars; one submission).

Allele frequency attached by ClinVar (database versions not stated): gnomAD exomes 0.00003; ExAC 0.00004; gnomAD 0.00023; TOPMed 0.00028.
gnomAD v4.1: 85 of 1,611,728 alleles (0.0053%); highest among the groups gnomAD compares: African/African-American, 0.077%; no homozygotes.

Submission:

Labcorp Genetics (formerly Invitae), Labcorp
Classification: Uncertain significance. Last evaluated: 2023-03-07. Review status: criteria provided, single submitter. Criteria: Invitae Variant Classification Sherloc (09022015). Collection method: clinical testing. Allele origin: germline.
Comment: In summary, the available evidence is currently insufficient to determine the role of this variant in disease. Therefore, it has been classified as a Variant of Uncertain Significance. Advanced modeling of protein sequence and biophysical properties (such as structural, functional, and spatial information, amino acid conservation, physicochemical variation, residue mobility, and thermodynamic stability) performed at Invitae indicates that this missense variant is not expected to disrupt TALDO1 protein function. ClinVar contains an entry for this variant (Variation ID: 2185021). This variant has not been reported in the literature in individuals affected with TALDO1-related conditions. This variant is present in population databases (rs138088112, gnomAD 0.07%). This sequence change replaces alanine, which is neutral and non-polar, with threonine, which is neutral and polar, at codon 268 of the TALDO1 protein (p.Ala268Thr).